The following is an entry in ClinVar:

ClinVar aggregate classification (germline): Uncertain significance (1 of 4 stars; one submission).

Allele frequency attached by ClinVar (database versions not stated): gnomAD 0.00001; TOPMed 0.00001; gnomAD exomes 0.00003.
gnomAD v4.1: 13 of 1,606,974 alleles (0.00081%); highest among the groups gnomAD compares: South Asian, 0.013%; no homozygotes.

Submission:

Labcorp Genetics (formerly Invitae), Labcorp
Classification: Uncertain significance. Last evaluated: 2021-12-10. Review status: criteria provided, single submitter. Criteria: Invitae Variant Classification Sherloc (09022015). Collection method: clinical testing. Allele origin: germline.
Comment: In summary, the available evidence is currently insufficient to determine the role of this variant in disease. Therefore, it has been classified as a Variant of Uncertain Significance. Algorithms developed to predict the effect of sequence changes on RNA splicing suggest that this variant may create or strengthen a splice site. Algorithms developed to predict the effect of missense changes on protein structure and function (SIFT, PolyPhen-2, Align-GVGD) all suggest that this variant is likely to be tolerated. This variant has not been reported in the literature in individuals affected with ASRGL1-related conditions. This variant is present in population databases (no rsID available, gnomAD 0.02%). This sequence change replaces arginine, which is basic and polar, with glutamine, which is neutral and polar, at codon 39 of the ASRGL1 protein (p.Arg39Gln).

NM_001083926.2(ASRGL1):c.116G>A (p.Arg39Gln)

Gene: ASRGL1 (asparaginase and isoaspartyl peptidase 1; plus strand). Cytogenetic location: 11q12.3.
Variant type: single nucleotide variant.
Coding change: c.116G>A on transcript NM_001083926.2 (MANE Select); coding-DNA position 116, G replaced by A.
Protein change: p.Arg39Gln; replaces arginine 39 with glutamine.
Molecular consequence: missense variant.
Genome position (GRCh38, 1-based): chr11:62,338,093, G>A. VCF-style: chr11-62338093-G-A. GRCh37 (hg19) VCF-style: chr11-62105565-G-A.
Other names: c.116G>A, p.Arg39Gln (NM_025080.4); short protein forms R39Q.
Identifiers: ClinVar variation 1492859 (VCV001492859.6), dbSNP rs1344055752, ClinGen allele CA380863562.